The following is an entry in ClinVar:

ClinVar aggregate classification (germline): Uncertain significance (1 of 4 stars; one submission).

Conditions:
CFAP57-related disorder. Also called: CFAP57-related condition.

gnomAD v4.1: 4 of 1,613,532 alleles (0.00025%); highest among the groups gnomAD compares: Admixed American, 0.0017%; no homozygotes.

Submission:

PreventionGenetics, part of Exact Sciences
Classification: Uncertain significance for CFAP57-related condition. Last evaluated: 2025-01-02. Review status: criteria provided, single submitter. Criteria: ACMG Guidelines, 2015. Collection method: clinical testing. Allele origin: germline.
Comment: The CFAP57 c.973C>T variant is predicted to result in the amino acid substitution p.Pro325Ser. To our knowledge, this variant has not been reported in the literature or in a large population database (gnomAD), indicating this variant is rare. At this time, the clinical significance of this variant is uncertain due to the absence of conclusive functional and genetic evidence.

NM_001378189.1(CFAP57):c.973C>T (p.Pro325Ser)

Genes: CFAP57 (cilia and flagella associated protein 57; plus strand), EBNA1BP2 (EBNA1 binding protein 2; minus strand), LOC105378685 (uncharacterized LOC105378685; minus strand). Cytogenetic location: 1p34.2.
Variant type: single nucleotide variant.
Coding change: c.973C>T on transcript NM_001378189.1 (MANE Select); coding-DNA position 973, C replaced by T.
Protein change: p.Pro325Ser; replaces proline 325 with serine.
Molecular consequence: missense variant.
Genome position (GRCh38, 1-based): chr1:43,186,710, C>T. VCF-style: chr1-43186710-C-T. GRCh37 (hg19) VCF-style: chr1-43652381-C-T.
Other names: c.973C>T, p.Pro325Ser (NM_001167965.1, NM_001195831.3, NM_152498.3); short protein forms P325S.
Identifiers: ClinVar variation 4987535 (VCV004987535.1).
Genomic context (GRCh38, chr1:43,186,710, plus strand): 5'-TAAGGCCACAATGACAACGTGGGGACATTACTGATAGCTGTTTTGCATTTTGGGCAGATT[C>T]CTGTGGACCCGCAGAGCAATGATCCAAGTCAGTCTGACAAACAGGACGTTCTCTGCCTGT-3'
Protein context (NP_001365118.1, residues 315-335): FYRESREIRI[Pro325Ser]VDPQSNDPSQ